The following is an entry in ClinVar:

ClinVar aggregate classification (germline): Uncertain significance. Review status: criteria provided, multiple submitters, no conflicts (2 of 4 stars). 2 submissions from 2 submitters: Uncertain significance (2). Last evaluated 2024-01-15.

Conditions:
Neurodevelopmental disorder with progressive spasticity and brain white matter abnormalities. Also called: CEREBRAL PALSY, SPASTIC QUADRIPLEGIC, 1. Identifiers: Orphanet 210141, Orphanet 641353, MedGen C5436628, MONDO:0033613, OMIM 619026.

Allele frequency attached by ClinVar (database versions not stated): ExAC 0.00011; 1000 Genomes Project 0.00060; gnomAD 0.00008 and 0.00011; TOPMed 0.00016; ESP Exome Variant Server 0.00023; 1000 Genomes Project 30x 0.00062.
gnomAD v4.1: 134 of 1,613,658 alleles (0.0083%); highest among the groups gnomAD compares: Admixed American, 0.033%; no homozygotes.

Submissions (2):

Labcorp Genetics (formerly Invitae), Labcorp
Classification: Uncertain significance for Neurodevelopmental disorder with progressive spasticity and brain white matter abnormalities. Last evaluated: 2024-01-15. Review status: criteria provided, single submitter. Criteria: Invitae Variant Classification Sherloc (09022015). Collection method: clinical testing. Allele origin: germline.
Comment: This sequence change replaces arginine, which is basic and polar, with cysteine, which is neutral and slightly polar, at codon 90 of the GAD1 protein (p.Arg90Cys). This variant is present in population databases (rs373042715, gnomAD 0.04%). This variant has not been reported in the literature in individuals affected with GAD1-related conditions. ClinVar contains an entry for this variant (Variation ID: 332228). An algorithm developed to predict the effect of missense changes on protein structure and function (PolyPhen-2) suggests that this variant is likely to be disruptive. In summary, the available evidence is currently insufficient to determine the role of this variant in disease. Therefore, it has been classified as a Variant of Uncertain Significance.

Illumina Laboratory Services, Illumina
Classification: Uncertain significance. Last evaluated: 2018-01-13. Review status: criteria provided, single submitter. Criteria: ICSL Variant Classification Criteria 13 December 2019. Collection method: clinical testing. Allele origin: germline.

NM_000817.3(GAD1):c.268C>T (p.Arg90Cys)

Gene: GAD1 (glutamate decarboxylase 1; plus strand). Cytogenetic location: 2q31.1.
Variant type: single nucleotide variant.
Coding change: c.268C>T on transcript NM_000817.3 (MANE Select); coding-DNA position 268, C replaced by T.
Protein change: p.Arg90Cys; replaces arginine 90 with cysteine.
Molecular consequence: missense variant.
Genome position (GRCh38, 1-based): chr2:170,829,597, C>T. VCF-style: chr2-170829597-C-T. GRCh37 (hg19) VCF-style: chr2-171686107-C-T.
Other names: c.268C>T, p.Arg90Cys (NM_013445.4); short protein forms R90C.
Identifiers: ClinVar variation 332228 (VCV000332228.11), dbSNP rs373042715, ClinGen allele CA1962573.